The following is an entry in ClinVar:

NM_000395.3(CSF2RB):c.1307C>T (p.Thr436Ile)

Gene: CSF2RB (colony stimulating factor 2 receptor subunit beta; plus strand). Cytogenetic location: 22q12.3.
Variant type: single nucleotide variant.
Coding change: c.1307C>T on transcript NM_000395.3 (MANE Select); coding-DNA position 1307, C replaced by T.
Protein change: p.Thr436Ile; replaces threonine 436 with isoleucine.
Molecular consequence: missense variant.
Genome position (GRCh38, 1-based): chr22:36,933,986, C>T. VCF-style: chr22-36933986-C-T. GRCh37 (hg19) VCF-style: chr22-37330028-C-T.
Other names: c.1325C>T, p.Thr442Ile (NM_001410827.1); short protein forms T436I, T442I.
Identifiers: ClinVar variation 2200753 (VCV002200753.4), dbSNP rs1288220575, ClinGen allele CA411409140.

ClinVar aggregate classification (germline): Uncertain significance (1 of 4 stars; one submission).

Allele frequency attached by ClinVar (database versions not stated): TOPMed below 0.00001; gnomAD exomes 0.00001.
gnomAD v4.1: 3 of 1,612,468 alleles (0.00019%); highest among the groups gnomAD compares: Admixed American, 0.0033%; no homozygotes.

Submission:

Labcorp Genetics (formerly Invitae), Labcorp
Classification: Uncertain significance. Last evaluated: 2024-04-02. Review status: criteria provided, single submitter. Criteria: Invitae Variant Classification Sherloc (09022015). Collection method: clinical testing. Allele origin: germline.
Comment: This sequence change replaces threonine, which is neutral and polar, with isoleucine, which is neutral and non-polar, at codon 436 of the CSF2RB protein (p.Thr436Ile). The frequency data for this variant in the population databases is considered unreliable, as metrics indicate poor data quality at this position in the gnomAD database. This variant has not been reported in the literature in individuals affected with CSF2RB-related conditions. ClinVar contains an entry for this variant (Variation ID: 2200753). Advanced modeling of protein sequence and biophysical properties (such as structural, functional, and spatial information, amino acid conservation, physicochemical variation, residue mobility, and thermodynamic stability) performed at Invitae indicates that this missense variant is expected to disrupt CSF2RB protein function with a positive predictive value of 80%. In summary, the available evidence is currently insufficient to determine the role of this variant in disease. Therefore, it has been classified as a Variant of Uncertain Significance.